The following is an entry in ClinVar:

ClinVar aggregate classification (germline): Benign/Likely benign. Review status: criteria provided, multiple submitters, no conflicts (2 of 4 stars). 28 submissions from 28 submitters: Benign (9); Likely benign (10). 9 of the submissions do not count toward it. Last evaluated 2026-10-01.

Conditions:
Breast and/or ovarian cancer. Identifiers: MedGen CN221562.
Hereditary cancer-predisposing syndrome. Also called: Hereditary neoplastic syndrome; Hereditary Cancer Syndrome; Neoplastic Syndromes, Hereditary; Tumor predisposition. Identifiers: Orphanet 140162, MedGen C0027672, MeSH D009386, MONDO:0015356.
Hereditary breast ovarian cancer syndrome. Also called: Hereditary breast and ovarian cancer syndrome; Hereditary breast and ovarian cancer syndrome (HBOC); Breast and ovarian cancer; Hereditary breast and/or ovarian cancer syndrome; BRCA1- and BRCA2-Associated Hereditary Breast and Ovarian Cancer; Hereditary breast and ovarian cancer. Identifiers: Orphanet 145, MedGen C0677776, MeSH D061325, MONDO:0003582. Disease mechanism: loss of function.
Bone osteosarcoma. Also called: Osteosarcoma, somatic. Identifiers: Orphanet 668, MedGen C0585442, MONDO:0002629, OMIM 259500.
Familial cancer of breast. Also called: hereditary breast carcinoma; BREAST CANCER, FAMILIAL; Hereditary breast cancer. Identifiers: Orphanet 227535, MedGen C0346153, MONDO:0016419, OMIM 114480. Disease mechanism: loss of function.
Malignant tumor of breast. Also called: Malignant breast neoplasm; Cancer breast. Identifiers: MedGen C0006142, MONDO:0007254. Disease mechanism: loss of function.

Allele frequency attached by ClinVar (database versions not stated): 1000 Genomes Project 0.00140; ExAC 0.00088; 1000 Genomes Project 30x 0.00109; TOPMed 0.00246; gnomAD 0.00201.
gnomAD v4.1: 881 of 1,613,706 alleles (0.055%); highest among the groups gnomAD compares: African/African-American, 0.71%; 4 homozygotes.

Submissions 1 to 23 of 28:

CeGaT Center for Human Genetics Tuebingen
Classification: Likely benign. Last evaluated: 2026-10-01. Review status: criteria provided, single submitter. Criteria: CeGaT Center For Human Genetics Tuebingen Variant Classification Criteria Version 2. Collection method: clinical testing. Allele origin: germline. Affected: yes. Observed: 2 variant alleles.
Comment: CHEK2: PM5, BS1

Labcorp Genetics (formerly Invitae), Labcorp
Classification: Benign for Familial cancer of breast. Last evaluated: 2026-02-04. Review status: criteria provided, single submitter. Criteria: Invitae Variant Classification Sherloc (09022015). Collection method: clinical testing. Allele origin: germline.

Quest Diagnostics Nichols Institute San Juan Capistrano
Classification: Benign. Last evaluated: 2025-08-29. Review status: criteria provided, single submitter. Criteria: Quest Diagnostics criteria. Collection method: clinical testing. Allele origin: unknown.

Laboratorio de I+D, Fundación Centro Médico de Asturias
Classification: Benign for Hereditary cancer-predisposing syndrome. Last evaluated: 2025-07-10. Review status: criteria provided, single submitter. Criteria: ACMG Guidelines, 2015. Collection method: clinical testing. Allele origin: germline.
Comment: BS1+BP4_Strong+BS3_Supporting+BP1

Center for Genomic Medicine, Rigshospitalet, Copenhagen University Hospital
Classification: Likely benign. Last evaluated: 2025-03-04. Review status: criteria provided, single submitter. Criteria: ACMG Guidelines, 2015. Collection method: clinical testing. Allele origin: germline.

Dasa
Classification: Likely benign. Last evaluated: 2024-12-09. Review status: criteria provided, single submitter. Criteria: DASA Assertion Criteria. Collection method: clinical testing. Allele origin: germline.
Comment: NM_007194.4(CHEK2):c.254C>T (p.Pro85Leu) is a missense variant that results in the substitution of proline with leucine. Population frequency is inconsistent with a disease-causing role for this variant, and the variant context is inconsistent with a known disease-causing mechanism. Computational prediction algorithms are consistent with a benign effect. Therefore, based on the currently available evidence, this variant is classified as likely benign.

Blueprint Genetics
Classification: Likely benign. Last evaluated: 2024-11-13. Review status: criteria provided, single submitter. Criteria: ACMG Guidelines, 2015. Collection method: clinical testing. Allele origin: germline.

Myriad Genetics, Inc.
Classification: Likely benign for Familial cancer of breast. Last evaluated: 2023-03-09. Review status: criteria provided, single submitter. Criteria: Myriad Autosomal Dominant, Autosomal Recessive and X-Linked Classification Criteria (2023). Collection method: clinical testing. Allele origin: unknown.
Comment: This variant is considered likely benign. This variant has been observed at a population frequency that is significantly greater than expected given the associated disease prevalence and penetrance.

CHEO Genetics Diagnostic Laboratory, Children's Hospital of Eastern Ontario
Classification: Likely benign for Breast and/or ovarian cancer. Last evaluated: 2022-05-02. Review status: criteria provided, single submitter. Criteria: ACMG Guidelines, 2015. Collection method: clinical testing. Allele origin: germline.

National Health Laboratory Service, Universitas Academic Hospital and University of the Free State
Classification: Benign for Hereditary breast ovarian cancer syndrome. Last evaluated: 2022-04-19. Review status: criteria provided, single submitter. Criteria: ACMG Guidelines, 2015. Collection method: clinical testing. Allele origin: germline. Affected: yes. Observed: 4 variant alleles.

ARUP Laboratories, Molecular Genetics and Genomics, ARUP Laboratories
Classification: Benign. Last evaluated: 2020-12-17. Review status: criteria provided, single submitter. Criteria: ARUP Molecular Germline Variant Investigation Process 2021. Collection method: clinical testing. Allele origin: germline.

Sema4
Classification: Benign for Hereditary cancer-predisposing syndrome. Last evaluated: 2020-08-24. Review status: criteria provided, single submitter. Criteria: Sema4 Curation Guidelines. Collection method: curation. Allele origin: germline.

Mendelics
Classification: Likely benign for Familial cancer of breast. Last evaluated: 2019-05-28. Review status: criteria provided, single submitter. Criteria: Mendelics Assertion Criteria 2017. Collection method: clinical testing. Allele origin: unknown.

Women's Health and Genetics/Laboratory Corporation of America, LabCorp
Classification: Likely benign. Last evaluated: 2017-08-09. Review status: criteria provided, single submitter. Criteria: LabCorp Variant Classification Summary - May 2015. Collection method: clinical testing. Allele origin: germline.
Comment: Variant summary: The CHEK2 c.254C>T (p.Pro85Leu) variant involves the alteration of a non-conserved nucleotide. 2/3 in silico tools predict a benign outcome for this variant (SNPsandGO not captured due to low reliability index). This variant was found in 143/130972 control chromosomes (1 homozygote) including ExAC, predominantly observed in the African subpopulation at a frequency of 0.007411 (77/10390). This frequency is about 24 times the estimated maximal expected allele frequency of a pathogenic CHEK2 variant (0.0003125), suggesting this is likely a benign polymorphism found primarily in the populations of African origin. This variant has been reported in multiple breast cancer patients without clear evidence supporting causality. Although one functional study showed in vitro kinase actitiy of CHEK2 p.P85L was 40-50% of wild-type CHEK2, two additional functional studies showed this variant does not affect yeast growth rate or in vivo response to DNA damage. In addition, multiple clinical laboratories/reputable databases classified this variant as benign/likely benign. Taken together, this variant was classified as likely benign.

Institute for Biomarker Research, Medical Diagnostic Laboratories, L.L.C.
Classification: Likely benign for Hereditary cancer-predisposing syndrome. Last evaluated: 2017-02-14. Review status: criteria provided, single submitter. Criteria: ACMG Guidelines, 2015. Collection method: clinical testing. Allele origin: germline.

Genetic Services Laboratory, University of Chicago
Classification: Likely benign. Last evaluated: 2017-01-09. Review status: criteria provided, single submitter. Criteria: ACMG Guidelines, 2015. Collection method: clinical testing. Allele origin: germline. Affected: no.

Ambry Genetics
Classification: Benign for Hereditary cancer-predisposing syndrome. Last evaluated: 2016-06-20. Review status: criteria provided, single submitter. Criteria: Ambry Variant Classification Scheme 2023. Collection method: clinical testing. Allele origin: germline.

Color Diagnostics, LLC DBA Color Health
Classification: Benign for Hereditary cancer-predisposing syndrome. Last evaluated: 2014-12-08. Review status: criteria provided, single submitter. Criteria: ACMG Guidelines, 2015. Collection method: clinical testing. Allele origin: germline.

GeneDx
Classification: Benign. Last evaluated: 2013-11-27. Review status: criteria provided, single submitter. Criteria: GeneDx Variant Classification (06012015). Collection method: clinical testing. Allele origin: germline. Affected: yes.
Comment: This variant is considered likely benign or benign based on one or more of the following criteria: it is a conservative change, it occurs at a poorly conserved position in the protein, it is predicted to be benign by multiple in silico algorithms, and/or has population frequency not consistent with disease.

Counsyl
Classification: Likely benign for Familial cancer of breast. Last evaluated: 2016-04-25. Review status: no assertion criteria provided. Collection method: clinical testing. Allele origin: unknown. Not counted in ClinVar's aggregate classification.

ITMI
No classification provided. Condition: AllHighlyPenetrant. Last evaluated: 2013-09-19. Review status: no classification provided. Collection method: reference population. Allele origin: germline. Not counted in ClinVar's aggregate classification.
Comment: Please see associated publication for description of ethnicities

OMIM
Classification: Pathogenic for OSTEOSARCOMA, SOMATIC. Last evaluated: 2002-01-01. Review status: no assertion criteria provided. Collection method: literature only. Allele origin: somatic. Not counted in ClinVar's aggregate classification.

Clinical Genetics DNA and cytogenetics Diagnostics Lab, Erasmus MC, Erasmus Medical Center
Classification: Likely benign. Review status: no assertion criteria provided. Collection method: clinical testing. Allele origin: germline. Affected: yes. Study: VKGL Data-share Consensus. Not counted in ClinVar's aggregate classification.

NM_007194.4(CHEK2):c.254C>T (p.Pro85Leu)

Gene: CHEK2 (checkpoint kinase 2; minus strand). Cytogenetic location: 22q12.1.
Variant type: single nucleotide variant.
Coding change: c.254C>T on transcript NM_007194.4 (MANE Select); coding-DNA position 254, C replaced by T.
Protein change: p.Pro85Leu; replaces proline 85 with leucine.
Molecular consequence: missense variant.
Genome position (GRCh38, 1-based): chr22:28,734,468, G>A on the plus strand (C>T on the coding strand, the complement: CHEK2 is on the minus strand). VCF-style: chr22-28734468-G-A. GRCh37 (hg19) VCF-style: chr22-29130456-G-A.
Other names: p.P85L:CCT>CTT; NP_009125.1:p.Pro85Leu; c.254C>T, p.Pro85Leu (NM_001005735.3, NM_001349956.3, NM_145862.3); c.-524C>T (NM_001257387.3); short protein forms P85L.
Identifiers: ClinVar variation 5594 (VCV000005594.91), dbSNP rs17883862, ClinGen allele CA117633.